The following is an entry in ClinVar:

NM_182961.4(SYNE1):c.3669+4C>G

Gene: SYNE1 (spectrin repeat containing nuclear envelope protein 1; minus strand). Cytogenetic location: 6q25.2.
Variant type: single nucleotide variant.
Coding change: c.3669+4C>G on transcript NM_182961.4 (MANE Select); 4 bases into the intron after coding-DNA position 3669, C replaced by G.
Molecular consequence: intron variant.
Genome position (GRCh38, 1-based): chr6:152,447,454, G>C on the plus strand (C>G on the coding strand, the complement: SYNE1 is on the minus strand). VCF-style: chr6-152447454-G-C. GRCh37 (hg19) VCF-style: chr6-152768589-G-C.
Other names: c.3690+4C>G (NM_033071.5).
Identifiers: ClinVar variation 130440 (VCV000130440.20), dbSNP rs376511242, ClinGen allele CA155464.
Genomic context (GRCh38, chr6:152,447,454, plus strand): 5'-GAAAAAGAACCTTCCAGATGCCTCACTCAGAACTGTCTGTTTAGAGTGTGAGTAAATGCT[G>C]TACCTCTGACAGCAGCGTCACAAGAGCCTTGAAAGAGCTGGATAATTTTGCCAGCTCATC-3'

ClinVar aggregate classification (germline): Conflicting classifications of pathogenicity. Review status: criteria provided, conflicting classifications (1 of 4 stars). 6 submissions from 6 submitters: Uncertain significance (5); Likely benign (1). Last evaluated 2025-10-02.

Conditions:
Emery-Dreifuss muscular dystrophy 4, autosomal dominant (EDMD4). Also called: EMERY-DREIFUSS MUSCULAR DYSTROPHY 4 WITH VARIABLE FEATURES. Identifiers: Orphanet 261, MedGen C2751807, MONDO:0013071, OMIM 612998.
Autosomal recessive ataxia, Beauce type. Also called: SYNE1-Related Autosomal Recessive Cerebellar Ataxia; Spinocerebellar ataxia, autosomal recessive 8; ATAXIA, RECESSIVE, OF BEAUCE; SYNE1 Deficiency. Identifiers: Orphanet 88644, MedGen C1853116, MONDO:0012549, OMIM 610743.

Allele frequency attached by ClinVar (database versions not stated): gnomAD exomes 0.00001 and 0.00005; ExAC 0.00005; TOPMed 0.00019; gnomAD 0.00020 and 0.00021; ESP Exome Variant Server 0.00038.
gnomAD v4.1: 43 of 1,613,994 alleles (0.0027%); highest among the groups gnomAD compares: African/African-American, 0.051%; no homozygotes.

Submissions (6):

Labcorp Genetics (formerly Invitae), Labcorp
Classification: Uncertain significance for Emery-Dreifuss muscular dystrophy 4, autosomal dominant; Autosomal recessive ataxia, Beauce type. Last evaluated: 2025-10-02. Review status: criteria provided, single submitter. Criteria: Invitae Variant Classification Sherloc (09022015). Collection method: clinical testing. Allele origin: germline.
Comment: This sequence change falls in intron 29 of the SYNE1 gene. It does not directly change the encoded amino acid sequence of the SYNE1 protein. It affects a nucleotide within the consensus splice site. This variant is present in population databases (rs376511242, gnomAD 0.06%). This variant has not been reported in the literature in individuals affected with SYNE1-related conditions. ClinVar contains an entry for this variant (Variation ID: 130440). Variants that disrupt the consensus splice site are a relatively common cause of aberrant splicing (PMID: 17576681, 9536098). Algorithms developed to predict the effect of sequence changes on RNA splicing suggest that this variant is not likely to affect RNA splicing. In summary, the available evidence is currently insufficient to determine the role of this variant in disease. Therefore, it has been classified as a Variant of Uncertain Significance.

GeneDx
Classification: Uncertain significance. Last evaluated: 2024-09-04. Review status: criteria provided, single submitter. Criteria: GeneDx Variant Classification Process June 2021. Collection method: clinical testing. Allele origin: germline. Affected: yes.
Comment: Has not been previously published as pathogenic or benign to our knowledge; In silico analysis indicates that this variant does not alter splicing

Blueprint Genetics
Classification: Uncertain significance. Last evaluated: 2021-08-25. Review status: criteria provided, single submitter. Criteria: ACMG Guidelines, 2015. Collection method: clinical testing. Allele origin: germline.

Athena Diagnostics
Classification: Uncertain significance. Last evaluated: 2021-06-24. Review status: criteria provided, single submitter. Criteria: Athena Diagnostics Criteria. Collection method: clinical testing. Allele origin: unknown.

Eurofins Ntd Llc (ga)
Classification: Uncertain significance. Last evaluated: 2016-06-27. Review status: criteria provided, single submitter. Criteria: EGL Classification Definitions 2015. Collection method: clinical testing. Allele origin: germline. Observed: 1 variant allele, 1 heterozygote.

Genetic Services Laboratory, University of Chicago
Classification: Likely benign for AllHighlyPenetrant. Last evaluated: 2013-08-26. Review status: criteria provided, single submitter. Criteria: ACMG Guidelines, 2007. Collection method: clinical testing. Allele origin: germline. Inheritance: Autosomal dominant inheritance.

Literature cited by the submitters: PubMed 17576681 (cited by Labcorp Genetics (formerly Invitae), Labcorp); PubMed 9536098 (cited by Labcorp Genetics (formerly Invitae), Labcorp).